The following is an entry in ClinVar:

ClinVar aggregate classification (germline): Uncertain significance (1 of 4 stars; one submission).

Submission:

Labcorp Genetics (formerly Invitae), Labcorp
Classification: Uncertain significance. Last evaluated: 2022-11-15. Review status: criteria provided, single submitter. Criteria: Invitae Variant Classification Sherloc (09022015). Collection method: clinical testing. Allele origin: germline.
Comment: This sequence change replaces glutamic acid, which is acidic and polar, with lysine, which is basic and polar, at codon 125 of the GRM6 protein (p.Glu125Lys). This variant is not present in population databases (gnomAD no frequency). This variant has not been reported in the literature in individuals affected with GRM6-related conditions. ClinVar contains an entry for this variant (Variation ID: 1347880). Advanced modeling of protein sequence and biophysical properties (such as structural, functional, and spatial information, amino acid conservation, physicochemical variation, residue mobility, and thermodynamic stability) performed at Invitae indicates that this missense variant is not expected to disrupt GRM6 protein function. In summary, the available evidence is currently insufficient to determine the role of this variant in disease. Therefore, it has been classified as a Variant of Uncertain Significance.

NM_000843.4(GRM6):c.373G>A (p.Glu125Lys)

Gene: GRM6 (glutamate metabotropic receptor 6; minus strand). Cytogenetic location: 5q35.3.
Variant type: single nucleotide variant.
Coding change: c.373G>A on transcript NM_000843.4 (MANE Select); coding-DNA position 373, G replaced by A.
Protein change: p.Glu125Lys; replaces glutamic acid 125 with lysine.
Molecular consequence: missense variant.
Genome position (GRCh38, 1-based): chr5:178,994,572, C>T on the plus strand (G>A on the coding strand, the complement: GRM6 is on the minus strand). VCF-style: chr5-178994572-C-T. GRCh37 (hg19) VCF-style: chr5-178421573-C-T.
Other names: short protein forms E125K.
Identifiers: ClinVar variation 1347880 (VCV001347880.7), dbSNP rs2113347700, ClinGen allele CA362436029.
Genomic context (GRCh38, chr5:178,994,572, plus strand): 5'-CGCGCTCGGGGGGCGCGGGGCGCAGCGGAGGGACGCCTCCCGGGCAGCGCACGCCCACCT[C>T]GTCGCCGTCGCCGCGGCCGCGGATCAGCGCCTGCACGAAGCTCAGCGCCTGCTCCAGCGC-3'
Protein context (NP_000834.2, residues 115-135): ALIRGRGDGD[Glu125Lys]VGVRCPGGVP